The following is an entry in ClinVar:

NC_012920.1(MT-TE):m.14683A>G

Gene: MT-TE (mitochondrially encoded tRNA glutamic acid; minus strand).
Variant type: single nucleotide variant.
Genome position: chrM-14683-A-G.
Identifiers: ClinVar variation 690199 (VCV000690199.1), dbSNP rs1603224828, ClinGen allele CA913171804.

ClinVar aggregate classification (germline): Benign (1 of 4 stars; one submission).

Conditions:
MELAS syndrome (MELAS). Also called: Juvenile myopathy, encephalopathy, lactic acidosis, stroke. Identifiers: Orphanet 550, MedGen C0162671, MONDO:0010789, OMIM 540000.

Submission:

Wong Mito Lab, Molecular and Human Genetics, Baylor College of Medicine
Classification: Benign for MELAS syndrome. Last evaluated: 2019-07-12. Review status: criteria provided, single submitter. Criteria: Modified ACMG Guidelines (Unpublished). Collection method: clinical testing. Allele origin: germline.
Comment: The NC_012920.1:m.14683A>G variant in MT-TE gene is interpreted to be a Benign variant based on the modified ACMG guidelines (unpublished). This variant meets the following evidence codes reported in the guidelines: BS1, BS2, BP4

Literature cited by the submitters: PubMed 31965079.